The following is an entry in ClinVar:

NM_000238.4(KCNH2):c.1086G>C (p.Lys362Asn)

Gene: KCNH2 (potassium voltage-gated channel subfamily H member 2; minus strand). Cytogenetic location: 7q36.1.
Variant type: single nucleotide variant.
Coding change: c.1086G>C on transcript NM_000238.4 (MANE Select); coding-DNA position 1086, G replaced by C.
Protein change: p.Lys362Asn; replaces lysine 362 with asparagine.
Molecular consequence: missense variant.
Genome position (GRCh38, 1-based): chr7:150,957,333, C>G on the plus strand (G>C on the coding strand, the complement: KCNH2 is on the minus strand). VCF-style: chr7-150957333-C-G. GRCh37 (hg19) VCF-style: chr7-150654421-C-G.
Other names: c.1086G>C (NM_000238.2); c.798G>C, p.Lys266Asn (NM_001406753.1, NM_001406756.1); c.909G>C, p.Lys303Asn (NM_001406755.1); c.786G>C, p.Lys262Asn (NM_001406757.1); c.1086G>C, p.Lys362Asn (NM_172056.3); short protein forms K362N, K266N, K262N, K303N.
Identifiers: ClinVar variation 1361234 (VCV001361234.10), dbSNP rs2116997449, ClinGen allele CA369861500.

ClinVar aggregate classification (germline): Uncertain significance. Review status: criteria provided, multiple submitters, no conflicts (2 of 4 stars). 3 submissions from 3 submitters: Uncertain significance (3). Last evaluated 2026-04-02.

Conditions:
Cardiovascular phenotype. Identifiers: MedGen CN230736.
Long QT syndrome (LQTS). Identifiers: MedGen C0023976, MeSH D008133, MONDO:0002442. Disease mechanism: loss of function. Inheritance: Various modes of inheritance.

gnomAD v4.1: 5 of 1,607,342 alleles (0.00031%); highest among the groups gnomAD compares: Non-Finnish European, 0.00042%; no homozygotes.

Submissions (3):

Ambry Genetics
Classification: Uncertain significance for Cardiovascular phenotype. Last evaluated: 2026-04-02. Review status: criteria provided, single submitter. Criteria: Ambry Variant Classification Scheme 2023. Collection method: clinical testing. Allele origin: germline.
Comment: The p.K362N variant (also known as c.1086G>C), located in coding exon 5 of the KCNH2 gene, results from a G to C substitution at nucleotide position 1086. The lysine at codon 362 is replaced by asparagine, an amino acid with similar properties. This amino acid position is conserved. In addition, the in silico prediction for this alteration is inconclusive. Based on the available evidence, the clinical significance of this variant remains unclear.

GeneDx
Classification: Uncertain significance. Last evaluated: 2025-03-23. Review status: criteria provided, single submitter. Criteria: GeneDx Variant Classification Process June 2021. Collection method: clinical testing. Allele origin: germline. Affected: yes.
Comment: Not observed at significant frequency in large population cohorts (gnomAD); In silico analysis supports that this missense variant has a deleterious effect on protein structure/function; Has not been previously published as pathogenic or benign to our knowledge

Labcorp Genetics (formerly Invitae), Labcorp
Classification: Uncertain significance for Long QT syndrome. Last evaluated: 2024-09-05. Review status: criteria provided, single submitter. Criteria: Invitae Variant Classification Sherloc (09022015). Collection method: clinical testing. Allele origin: germline.
Comment: This sequence change replaces lysine, which is basic and polar, with asparagine, which is neutral and polar, at codon 362 of the KCNH2 protein (p.Lys362Asn). This variant is not present in population databases (gnomAD no frequency). This variant has not been reported in the literature in individuals affected with KCNH2-related conditions. ClinVar contains an entry for this variant (Variation ID: 1361234). An algorithm developed to predict the effect of missense changes on protein structure and function (PolyPhen-2) suggests that this variant is likely to be disruptive. In summary, the available evidence is currently insufficient to determine the role of this variant in disease. Therefore, it has been classified as a Variant of Uncertain Significance.